The following is an entry in ClinVar:

ClinVar aggregate classification (germline): Uncertain significance (1 of 4 stars; one submission).

gnomAD v4.1: 1 of 1,551,278 alleles (0.000064%); highest among the groups gnomAD compares: Non-Finnish European, 0.000087%; no homozygotes.

Submission:

Labcorp Genetics (formerly Invitae), Labcorp
Classification: Uncertain significance. Last evaluated: 2021-12-15. Review status: criteria provided, single submitter. Criteria: Invitae Variant Classification Sherloc (09022015). Collection method: clinical testing. Allele origin: germline.
Comment: Algorithms developed to predict the effect of missense changes on protein structure and function are either unavailable or do not agree on the potential impact of this missense change (SIFT: "Not Available"; PolyPhen-2: "Probably Damaging"; Align-GVGD: "Not Available"). This variant has not been reported in the literature in individuals affected with UNC80-related conditions. This variant is not present in population databases (gnomAD no frequency). This sequence change replaces leucine, which is neutral and non-polar, with phenylalanine, which is neutral and non-polar, at codon 862 of the UNC80 protein (p.Leu862Phe). In summary, the available evidence is currently insufficient to determine the role of this variant in disease. Therefore, it has been classified as a Variant of Uncertain Significance.

NM_001371986.1(UNC80):c.2586G>T (p.Leu862Phe)

Gene: UNC80 (unc-80 subunit of NALCN channel complex; plus strand). Cytogenetic location: 2q34.
Variant type: single nucleotide variant.
Coding change: c.2586G>T on transcript NM_001371986.1 (MANE Select); coding-DNA position 2586, G replaced by T.
Protein change: p.Leu862Phe; replaces leucine 862 with phenylalanine.
Molecular consequence: missense variant.
Genome position (GRCh38, 1-based): chr2:209,829,339, G>T. VCF-style: chr2-209829339-G-T. GRCh37 (hg19) VCF-style: chr2-210694063-G-T.
Other names: c.2586G>T, p.Leu862Phe (NM_032504.2); c.2571G>T, p.Leu857Phe (NM_182587.4); short protein forms L857F, L862F.
Identifiers: ClinVar variation 1397114 (VCV001397114.6), dbSNP rs2153828432, ClinGen allele CA350137749.